The following is an entry in ClinVar:

NM_001375524.1(TRRAP):c.11024A>G (p.Asn3675Ser)

Gene: TRRAP (transformation/transcription domain associated protein; plus strand). Cytogenetic location: 7q22.1.
Variant type: single nucleotide variant.
Coding change: c.11024A>G on transcript NM_001375524.1 (MANE Select); coding-DNA position 11024, A replaced by G.
Protein change: p.Asn3675Ser; replaces asparagine 3675 with serine.
Molecular consequence: missense variant.
Genome position (GRCh38, 1-based): chr7:99,011,137, A>G. VCF-style: chr7-99011137-A-G. GRCh37 (hg19) VCF-style: chr7-98608760-A-G.
Other names: c.10982A>G, p.Asn3661Ser (NM_001244580.2); c.10895A>G, p.Asn3632Ser (NM_003496.4); short protein forms N3675S, N3632S, N3661S.
Identifiers: ClinVar variation 2740180 (VCV002740180.3), dbSNP rs772899911, ClinGen allele CA4362066.

ClinVar aggregate classification (germline): Uncertain significance (1 of 4 stars; one submission).

Allele frequency attached by ClinVar (database versions not stated): gnomAD exomes below 0.00001; gnomAD 0.00001; TOPMed 0.00001; ExAC 0.00002.
gnomAD v4.1: 7 of 1,613,946 alleles (0.00043%); highest among the groups gnomAD compares: African/African-American, 0.0027%; no homozygotes.

Submission:

Labcorp Genetics (formerly Invitae), Labcorp
Classification: Uncertain significance. Last evaluated: 2024-04-05. Review status: criteria provided, single submitter. Criteria: Invitae Variant Classification Sherloc (09022015). Collection method: clinical testing. Allele origin: germline.
Comment: This sequence change replaces asparagine, which is neutral and polar, with serine, which is neutral and polar, at codon 3632 of the TRRAP protein (p.Asn3632Ser). This variant is present in population databases (rs772899911, gnomAD 0.007%). This variant has not been reported in the literature in individuals affected with TRRAP-related conditions. Advanced modeling of protein sequence and biophysical properties (such as structural, functional, and spatial information, amino acid conservation, physicochemical variation, residue mobility, and thermodynamic stability) performed at Invitae indicates that this missense variant is not expected to disrupt TRRAP protein function with a negative predictive value of 80%. In summary, the available evidence is currently insufficient to determine the role of this variant in disease. Therefore, it has been classified as a Variant of Uncertain Significance.